The following is an entry in ClinVar:

NM_019892.6(INPP5E):c.1065G>A (p.Thr355=)

Gene: INPP5E (inositol polyphosphate-5-phosphatase E; minus strand). Cytogenetic location: 9q34.3.
Variant type: single nucleotide variant.
Coding change: c.1065G>A on transcript NM_019892.6 (MANE Select); coding-DNA position 1065, G replaced by A.
Protein change: p.Thr355=; no amino-acid change (threonine 355 retained).
Molecular consequence: synonymous variant.
Genome position (GRCh38, 1-based): chr9:136,433,249, C>T on the plus strand (G>A on the coding strand, the complement: INPP5E is on the minus strand). VCF-style: chr9-136433249-C-T. GRCh37 (hg19) VCF-style: chr9-139327701-C-T.
Other names: c.1065G>A (NM_019892.5); c.1065G>A, p.Thr355= (NM_001318502.2).
Identifiers: ClinVar variation 695241 (VCV000695241.11), dbSNP rs374089192, ClinGen allele CA5336958.
Genomic context (GRCh38, chr9:136,433,249, plus strand): 5'-GAGCGACATGTAGAGCACGCCGTGGGCCGCCGAGGACAGCAGCACATAGTGCGGGCCCAG[C>T]GTCTCCTGCAGACGAGTCTCCCACTCCCGCCTGCAGAGGAGGAAGCACGGCCGGCTGGGG-3'
Protein context (NP_063945.2, residues 345-365): RREWETRLQE[Thr355=]LGPHYVLLSS

ClinVar aggregate classification (germline): Likely benign. Review status: criteria provided, multiple submitters, no conflicts (2 of 4 stars). 3 submissions from 3 submitters: Likely benign (2). 1 of the submissions does not count toward it. Last evaluated 2025-12-14.

Conditions:
INPP5E-related disorder. Also called: INPP5E-related condition.
Joubert syndrome. Also called: Familial aplasia of the vermis; JOUBERT-BOLTSHAUSER SYNDROME. Identifiers: Orphanet 475, MedGen C5979921, MONDO:0018772.

Allele frequency attached by ClinVar (database versions not stated): TOPMed 0.00011; ESP Exome Variant Server 0.00023; 1000 Genomes Project 0.00040; 1000 Genomes Project 30x 0.00062.
gnomAD v4.1: 69 of 1,590,222 alleles (0.0043%); highest among the groups gnomAD compares: African/African-American, 0.053%; 1 homozygote.

Submissions (3):

Labcorp Genetics (formerly Invitae), Labcorp
Classification: Likely benign for Joubert syndrome. Last evaluated: 2025-12-14. Review status: criteria provided, single submitter. Criteria: Invitae Variant Classification Sherloc (09022015). Collection method: clinical testing. Allele origin: germline.

Blueprint Genetics
Classification: Likely benign. Last evaluated: 2022-11-23. Review status: criteria provided, single submitter. Criteria: ACMG Guidelines, 2015. Collection method: clinical testing. Allele origin: germline.

PreventionGenetics, part of Exact Sciences
Classification: Likely benign for INPP5E-related condition. Last evaluated: 2021-07-12. Review status: no assertion criteria provided. Collection method: clinical testing. Allele origin: germline. Not counted in ClinVar's aggregate classification.
Comment: This variant is classified as likely benign based on ACMG/AMP sequence variant interpretation guidelines (Richards et al. 2015 PMID: 25741868, with internal and published modifications).